The following is an entry in ClinVar:

ClinVar aggregate classification (germline): Pathogenic/Likely pathogenic. Review status: criteria provided, multiple submitters, no conflicts (2 of 4 stars). 4 submissions from 4 submitters: Pathogenic (3); Likely pathogenic (1). Last evaluated 2024-11-07.

Conditions:
Inborn genetic diseases. Identifiers: MedGen C0950123, MeSH D030342.
SIN3A-related intellectual disability syndrome. Identifiers: Orphanet 500163, MedGen CN258628, MONDO:0044699.

Submissions (4):

GeneDx
Classification: Pathogenic. Last evaluated: 2024-11-07. Review status: criteria provided, single submitter. Criteria: GeneDx Variant Classification Process June 2021. Collection method: clinical testing. Allele origin: germline.
Comment: Has also been identified in an individual with a neurodevelopmental disorder, but segregation and detailed clinical information was not provided in this report (PMID: 33004838); Nonsense variant predicted to result in protein truncation or nonsense mediated decay in a gene for which loss of function is a known mechanism of disease; Not observed at significant frequency in large population cohorts (gnomAD); This variant is associated with the following publications: (PMID: 33004838, 35144002)

Women's Health and Genetics/Laboratory Corporation of America, LabCorp
Classification: Pathogenic for SIN3A-related intellectual disability syndrome. Last evaluated: 2023-10-16. Review status: criteria provided, single submitter. Criteria: LabCorp Variant Classification Summary - May 2015. Collection method: clinical testing. Allele origin: germline.
Comment: Variant summary: SIN3A c.1657C>T (p.Arg553X) results in a premature termination codon, predicted to cause a truncation of the encoded protein or absence of the protein due to nonsense mediated decay, which are commonly known mechanisms for disease. The variant was absent in 251464 control chromosomes. c.1657C>T has been reported in the literature in individuals affected with Witteveen-Kolk syndrome (e.g. Jacobson_2022). These data indicate that the variant is likely to be associated with disease. To our knowledge, no experimental evidence demonstrating an impact on protein function has been reported. The following publication has been ascertained in the context of this evaluation (PMID: 35144002). Two submitters have cited clinical-significance assessments for this variant to ClinVar after 2014, classifying the variant as pathogenic (n=1) or likely pathogenic (n=1). Based on the evidence outlined above, the variant was classified as pathogenic.

Clinical Genetics and Genomics, Karolinska University Hospital
Classification: Likely pathogenic. Last evaluated: 2020-01-29. Review status: criteria provided, single submitter. Criteria: ACMG Guidelines, 2015. Collection method: clinical testing. Allele origin: germline. Affected: yes. Observed: 1 variant allele.

Ambry Genetics
Classification: Pathogenic for Inborn genetic diseases. Last evaluated: 2016-12-05. Review status: criteria provided, single submitter. Criteria: Ambry exome assertion method (8-5-2015). Collection method: clinical testing. Allele origin: germline. Affected: yes. Observed: 1 variant allele.

Literature cited by the submitters: PubMed 35144002 (cited by Women's Health and Genetics/Laboratory Corporation of America, LabCorp).

NM_001145358.2(SIN3A):c.1657C>T (p.Arg553Ter)

Gene: SIN3A (SIN3 transcription regulator family member A; minus strand). Cytogenetic location: 15q24.2.
Variant type: single nucleotide variant.
Coding change: c.1657C>T on transcript NM_001145358.2 (MANE Select); coding-DNA position 1657, C replaced by T.
Protein change: p.Arg553Ter; replaces arginine 553 with a stop codon.
Molecular consequence: nonsense.
Genome position (GRCh38, 1-based): chr15:75,400,810, G>A on the plus strand (C>T on the coding strand, the complement: SIN3A is on the minus strand). VCF-style: chr15-75400810-G-A. GRCh37 (hg19) VCF-style: chr15-75693151-G-A.
Other names: c.1657C>T, p.Arg553Ter (NM_001145357.2, NM_015477.3); short protein forms R553*.
Identifiers: ClinVar variation 520687 (VCV000520687.8), dbSNP rs1555444885, ClinGen allele CA393498487.